The following is an entry in ClinVar:

ClinVar aggregate classification (germline): Likely benign. Review status: criteria provided, single submitter (1 of 4 stars). 2 submissions from 2 submitters: Likely benign (1). 1 of the submissions does not count toward it. Last evaluated 2024-02-06.

Conditions:
LRPPRC-related disorder. Also called: LRPPRC-related condition.

Allele frequency attached by ClinVar (database versions not stated): gnomAD 0.00001.
gnomAD v4.1: 6 of 1,613,656 alleles (0.00037%); highest among the groups gnomAD compares: East Asian, 0.0022%; no homozygotes.

Submissions (2):

Labcorp Genetics (formerly Invitae), Labcorp
Classification: Likely benign. Last evaluated: 2024-02-06. Review status: criteria provided, single submitter. Criteria: Invitae Variant Classification Sherloc (09022015). Collection method: clinical testing. Allele origin: germline.

PreventionGenetics, part of Exact Sciences
Classification: Likely benign for LRPPRC-related condition. Last evaluated: 2019-10-22. Review status: no assertion criteria provided. Collection method: clinical testing. Allele origin: germline. Not counted in ClinVar's aggregate classification.
Comment: This variant is classified as likely benign based on ACMG/AMP sequence variant interpretation guidelines (Richards et al. 2015 PMID: 25741868, with internal and published modifications).

NM_133259.4(LRPPRC):c.1137C>T (p.His379=)

Gene: LRPPRC (leucine rich pentatricopeptide repeat containing; minus strand). Cytogenetic location: 2p21.
Variant type: single nucleotide variant.
Coding change: c.1137C>T on transcript NM_133259.4 (MANE Select); coding-DNA position 1137, C replaced by T.
Protein change: p.His379=; no amino-acid change (histidine 379 retained).
Molecular consequence: synonymous variant.
Genome position (GRCh38, 1-based): chr2:43,974,168, G>A on the plus strand (C>T on the coding strand, the complement: LRPPRC is on the minus strand). VCF-style: chr2-43974168-G-A. GRCh37 (hg19) VCF-style: chr2-44201307-G-A.
Other names: c.1137C>T (NM_133259.3).
Identifiers: ClinVar variation 1126645 (VCV001126645.11), dbSNP rs866757047, ClinGen allele CA425909696.